The following is an entry in ClinVar:

NM_001783.4(CD79A):c.312C>T (p.Tyr104=)

Genes: CD79A (CD79a molecule; plus strand), RPS19-CD79A (RPS19-CD79A readthrough; plus strand). Cytogenetic location: 19q13.2.
Variant type: single nucleotide variant.
Coding change: c.312C>T on transcript NM_001783.4 (MANE Select); coding-DNA position 312, C replaced by T.
Protein change: p.Tyr104=; no amino-acid change (tyrosine 104 retained).
Molecular consequence: synonymous variant. On other transcripts: intron variant (1).
Genome position (GRCh38, 1-based): chr19:41,879,222, C>T. VCF-style: chr19-41879222-C-T. GRCh37 (hg19) VCF-style: chr19-42383292-C-T.
Other names: c.265+47C>T (NM_021601.4).
Identifiers: ClinVar variation 753741 (VCV000753741.41), dbSNP rs200667174, ClinGen allele CA9465556.
Genomic context (GRCh38, chr19:41,879,222, plus strand): 5'-CGAGGACCCCAATGGTACGCTGATCATCCAGAATGTGAACAAGAGCCATGGGGGCATATA[C>T]GTGTGCCGGGTCCAGGAGGGCAACGAGTCATACCAGCAGTCCTGCGGCACCTACCTCCGC-3'
Protein context (NP_001774.1, residues 94-114): QNVNKSHGGI[Tyr104=]VCRVQEGNES

ClinVar aggregate classification (germline): Likely benign. Review status: criteria provided, multiple submitters, no conflicts (2 of 4 stars). 2 submissions from 2 submitters: Likely benign (2). Last evaluated 2025-04-17.

Conditions:
Agammaglobulinemia 3, autosomal recessive (AGM3). Also called: AGAMMAGLOBULINEMIA 3; AGAMMAGLOBULINEMIA, AUTOSOMAL RECESSIVE, DUE TO CD79A DEFECT. Identifiers: MedGen C3150751, MONDO:0013288, OMIM 613501.

Allele frequency attached by ClinVar (database versions not stated): TOPMed 0.00012; ESP Exome Variant Server 0.00015; gnomAD 0.00016; 1000 Genomes Project 0.00020; 1000 Genomes Project 30x 0.00031; gnomAD exomes 0.00002; ExAC 0.00003.
gnomAD v4.1: 58 of 1,613,786 alleles (0.0036%); highest among the groups gnomAD compares: African/African-American, 0.037%; no homozygotes.

Submissions (2):

Labcorp Genetics (formerly Invitae), Labcorp
Classification: Likely benign for Agammaglobulinemia 3, autosomal recessive. Last evaluated: 2025-04-17. Review status: criteria provided, single submitter. Criteria: Invitae Variant Classification Sherloc (09022015). Collection method: clinical testing. Allele origin: germline.

CeGaT Center for Human Genetics Tuebingen
Classification: Likely benign. Last evaluated: 2023-04-01. Review status: criteria provided, single submitter. Criteria: CeGaT Center For Human Genetics Tuebingen Variant Classification Criteria Version 2. Collection method: clinical testing. Allele origin: germline. Affected: yes. Observed: 2 variant alleles.
Comment: CD79A: BP4, BP7